The following is an entry in ClinVar:

ClinVar aggregate classification (germline): Uncertain significance. Review status: criteria provided, multiple submitters, no conflicts (2 of 4 stars). 2 submissions from 2 submitters: Uncertain significance (2). Last evaluated 2025-05-04.

Conditions:
Hereditary cancer-predisposing syndrome. Also called: Hereditary neoplastic syndrome; Neoplastic Syndromes, Hereditary; Tumor predisposition; Hereditary Cancer Syndrome. Identifiers: Orphanet 140162, MedGen C0027672, MeSH D009386, MONDO:0015356.
Tuberous sclerosis 2 (TSC2). Identifiers: Orphanet 805, MedGen C1860707, MONDO:0013199, OMIM 613254.

Allele frequency attached by ClinVar (database versions not stated): gnomAD exomes below 0.00001; ExAC 0.00001.
gnomAD v4.1: 1 of 1,604,484 alleles (0.000062%); highest among the groups gnomAD compares: South Asian, 0.0011%; no homozygotes.

Submissions (2):

Ambry Genetics
Classification: Uncertain significance for Hereditary cancer-predisposing syndrome. Last evaluated: 2025-05-04. Review status: criteria provided, single submitter. Criteria: Ambry Variant Classification Scheme 2023. Collection method: clinical testing. Allele origin: germline.
Comment: The p.R653G variant (also known as c.1957A>G), located in coding exon 18 of the TSC2 gene, results from an A to G substitution at nucleotide position 1957. The arginine at codon 653 is replaced by glycine, an amino acid with dissimilar properties. This amino acid position is conserved. In addition, the in silico prediction for this alteration is inconclusive. Based on the available evidence, the clinical significance of this variant remains unclear.

Labcorp Genetics (formerly Invitae), Labcorp
Classification: Uncertain significance for Tuberous sclerosis 2. Last evaluated: 2024-12-26. Review status: criteria provided, single submitter. Criteria: Invitae Variant Classification Sherloc (09022015). Collection method: clinical testing. Allele origin: germline.
Comment: This sequence change replaces arginine, which is basic and polar, with glycine, which is neutral and non-polar, at codon 653 of the TSC2 protein (p.Arg653Gly). The frequency data for this variant in the population databases is considered unreliable, as metrics indicate poor data quality at this position in the gnomAD database. This variant has not been reported in the literature in individuals affected with TSC2-related conditions. ClinVar contains an entry for this variant (Variation ID: 1026938). Invitae Evidence Modeling of protein sequence and biophysical properties (such as structural, functional, and spatial information, amino acid conservation, physicochemical variation, residue mobility, and thermodynamic stability) indicates that this missense variant is not expected to disrupt TSC2 protein function with a negative predictive value of 95%. In summary, the available evidence is currently insufficient to determine the role of this variant in disease. Therefore, it has been classified as a Variant of Uncertain Significance.

NM_000548.5(TSC2):c.1957A>G (p.Arg653Gly)

Gene: TSC2 (TSC complex subunit 2; plus strand). Cytogenetic location: 16p13.3.
Variant type: single nucleotide variant.
Coding change: c.1957A>G on transcript NM_000548.5 (MANE Select); coding-DNA position 1957, A replaced by G.
Protein change: p.Arg653Gly; replaces arginine 653 with glycine.
Molecular consequence: missense variant.
Genome position (GRCh38, 1-based): chr16:2,071,794, A>G. VCF-style: chr16-2071794-A-G. GRCh37 (hg19) VCF-style: chr16-2121795-A-G.
Other names: c.1957A>G (NM_000548.3); c.1957A>G, p.Arg653Gly (NM_001077183.3, NM_001114382.3, NM_001363528.2 and 3 more transcripts); c.1846A>G, p.Arg616Gly (NM_001318827.2); c.1810A>G, p.Arg604Gly (NM_001318829.2); c.1357A>G, p.Arg453Gly (NM_001318831.2); c.1990A>G, p.Arg664Gly (NM_001318832.2); short protein forms R453G, R604G, R616G, R653G, R664G.
Identifiers: ClinVar variation 1026938 (VCV001026938.9), dbSNP rs764225717, ClinGen allele CA035262.